The following is an entry in ClinVar:

ClinVar aggregate classification (germline): Uncertain significance (1 of 4 stars; one submission).

Submission:

GeneDx
Classification: Uncertain significance. Last evaluated: 2022-05-24. Review status: criteria provided, single submitter. Criteria: GeneDx Variant Classification Process June 2021. Collection method: clinical testing. Allele origin: germline. Affected: yes.
Comment: Not observed at significant frequency in large population cohorts (gnomAD); In silico analysis supports that this missense variant has a deleterious effect on protein structure/function; Has not been previously published as pathogenic or benign to our knowledge

NM_017934.7(PHIP):c.377C>G (p.Ala126Gly)

Gene: PHIP (PHIP subunit of CUL4-Ring ligase complex; minus strand). Cytogenetic location: 6q14.1.
Variant type: single nucleotide variant.
Coding change: c.377C>G on transcript NM_017934.7 (MANE Select); coding-DNA position 377, C replaced by G.
Protein change: p.Ala126Gly; replaces alanine 126 with glycine.
Molecular consequence: missense variant.
Genome position (GRCh38, 1-based): chr6:79,060,540, G>C on the plus strand (C>G on the coding strand, the complement: PHIP is on the minus strand). VCF-style: chr6-79060540-G-C. GRCh37 (hg19) VCF-style: chr6-79770257-G-C.
Other names: short protein forms A126G.
Identifiers: ClinVar variation 1800930 (VCV001800930.1), dbSNP rs2482349437, ClinGen allele CA364651075.
Genomic context (GRCh38, chr6:79,060,540, plus strand): 5'-ATGCTGGGTGGGCTACCATAGTTAACTGGTGACTCAGGTGGTCTTCCACAGTGCAACGCA[G>C]CCAGAGCAGATCCTTTCCACACAACATGCTTGCAGCCTATTAAACACATGTATTTTTATG-3'
Protein context (NP_060404.4, residues 116-136): KHVVWKGSAL[Ala126Gly]ALHCGRPPES